The following is an entry in ClinVar:

ClinVar aggregate classification (germline): Uncertain significance (1 of 4 stars; one submission).

Conditions:
Autosomal dominant limb-girdle muscular dystrophy type 1G (LGMDD3). Also called: MUSCULAR DYSTROPHY, LIMB-GIRDLE, AUTOSOMAL DOMINANT 3; Limb-girdle muscular dystrophy, type 1G. Identifiers: Orphanet 55596, MedGen C1836765, MONDO:0012193, OMIM 609115.

Allele frequency attached by ClinVar (database versions not stated): gnomAD 0.00001; TOPMed 0.00003.
gnomAD v4.1: 3 of 1,611,762 alleles (0.00019%); highest among the groups gnomAD compares: Non-Finnish European, 0.000085%; no homozygotes.

Submissions (3):

Labcorp Genetics (formerly Invitae), Labcorp
Classification: Uncertain significance for Autosomal dominant limb-girdle muscular dystrophy type 1G. Last evaluated: 2025-10-02. Review status: criteria provided, single submitter. Criteria: Invitae Variant Classification Sherloc (09022015). Collection method: clinical testing. Allele origin: germline.
Comment: This sequence change falls in intron 2 of the HNRNPDL gene. It does not directly change the encoded amino acid sequence of the HNRNPDL protein. It affects a nucleotide within the consensus splice site. This variant is not present in population databases (gnomAD no frequency). This variant has not been reported in the literature in individuals affected with HNRNPDL-related conditions. ClinVar contains an entry for this variant (Variation ID: 1346798). Variants that disrupt the consensus splice site are a relatively common cause of aberrant splicing (PMID: 17576681, 9536098). Algorithms developed to predict the effect of sequence changes on RNA splicing suggest that this variant is not likely to affect RNA splicing. In summary, the available evidence is currently insufficient to determine the role of this variant in disease. Therefore, it has been classified as a Variant of Uncertain Significance.

Dr. Peter K. Rogan Lab, Western University
No classification provided (evidence only). Condition: Cervical cancer. Review status: no classification provided. Collection method: in vitro. Allele origin: not applicable. Functional consequence: skipped exon. Not counted in ClinVar's aggregate classification.

Dr. Peter K. Rogan Lab, Western University
No classification provided (evidence only). Condition: Malignant tumor of esophagus. Review status: no classification provided. Collection method: in vitro. Allele origin: not applicable. Functional consequence: skipped exon, retained intron. Not counted in ClinVar's aggregate classification.

Literature cited by the submitters: PubMed 17576681 (cited by Labcorp Genetics (formerly Invitae), Labcorp); PubMed 9536098 (cited by Labcorp Genetics (formerly Invitae), Labcorp).

NM_031372.4(HNRNPDL):c.612+5G>A

Gene: HNRNPDL (heterogeneous nuclear ribonucleoprotein D like; minus strand). Cytogenetic location: 4q21.22.
Variant type: single nucleotide variant.
Coding change: c.612+5G>A on transcript NM_031372.4 (MANE Select); 5 bases into the intron after coding-DNA position 612, G replaced by A.
Molecular consequence: intron variant.
Genome position (GRCh38, 1-based): chr4:82,428,273, C>T on the plus strand (G>A on the coding strand, the complement: HNRNPDL is on the minus strand). VCF-style: chr4-82428273-C-T. GRCh37 (hg19) VCF-style: chr4-83349426-C-T.
Other names: c.612+5G>A (NM_001207000.1).
Identifiers: ClinVar variation 1346798 (VCV001346798.7), dbSNP rs941602069, ClinGen allele CA100597107.